The following is an entry in ClinVar:

ClinVar aggregate classification (germline): Uncertain significance (1 of 4 stars; one submission).

Conditions:
Intellectual developmental disorder with seizures and language delay (IDDSELD). Identifiers: MedGen C5436574, MONDO:0033559, OMIM 619000.

Allele frequency attached by ClinVar (database versions not stated): gnomAD exomes below 0.00001; gnomAD 0.00001; TOPMed 0.00001.
gnomAD v4.1: 3 of 1,550,944 alleles (0.00019%); highest among the groups gnomAD compares: Admixed American, 0.0039%; no homozygotes.

Submission:

New York Genome Center
Classification: Uncertain significance for Intellectual developmental disorder with seizures and language delay. Last evaluated: 2019-12-13. Review status: criteria provided, single submitter. Criteria: NYGC Assertion Criteria 2020. Collection method: clinical testing. Allele origin: germline. Observed: 1 heterozygote. Study: CSER-NYCKidSeq.
Comment: The c.3839C>T (p.Pro1280Leu) variant identified substitutes a well conserved Proline for Leucine at amino acid 1280/1924 (coding exon 12/17). This variant is absent from gnomAD, suggesting it is not a common benign variant in the populations represented in this database. In silico algorithms predict this variant to be Deleterious (Provean; score: -3.50) and Damaging (SIFT; score: 0.002) to the function of the canonical transcript. To our current knowledge this variant has not been reported in affected individuals in the literature.

NM_001353345.2(SETD1B):c.3968C>T (p.Pro1323Leu)

Gene: SETD1B (SET domain containing 1B, histone lysine methyltransferase; plus strand). Cytogenetic location: 12q24.31.
Variant type: single nucleotide variant.
Coding change: c.3968C>T on transcript NM_001353345.2 (MANE Select); coding-DNA position 3968, C replaced by T.
Protein change: p.Pro1323Leu; replaces proline 1323 with leucine.
Molecular consequence: missense variant.
Genome position (GRCh38, 1-based): chr12:121,822,547, C>T. VCF-style: chr12-121822547-C-T. GRCh37 (hg19) VCF-style: chr12-122260453-C-T.
Other names: NM_015048.1:c.3839C>T; short protein forms P1323L.
Identifiers: ClinVar variation 977429 (VCV000977429.3), dbSNP rs1009181729, ClinGen allele CA244656075.